The following is an entry in ClinVar:

NM_001035.3(RYR2):c.5805G>C (p.Lys1935Asn)

Gene: RYR2 (ryanodine receptor 2; plus strand). Cytogenetic location: 1q43.
Variant type: single nucleotide variant.
Coding change: c.5805G>C on transcript NM_001035.3 (MANE Select); coding-DNA position 5805, G replaced by C.
Protein change: p.Lys1935Asn; replaces lysine 1935 with asparagine.
Molecular consequence: missense variant.
Genome position (GRCh38, 1-based): chr1:237,617,375, G>C. VCF-style: chr1-237617375-G-C. GRCh37 (hg19) VCF-style: chr1-237780675-G-C.
Other names: short protein forms K1935N.
Identifiers: ClinVar variation 3715957 (VCV003715957.2).

ClinVar aggregate classification (germline): Uncertain significance (1 of 4 stars; one submission).

Conditions:
Catecholaminergic polymorphic ventricular tachycardia 1. Also called: VENTRICULAR TACHYCARDIA, STRESS-INDUCED POLYMORPHIC 1; VENTRICULAR TACHYCARDIA, CATECHOLAMINERGIC POLYMORPHIC, 1, WITH OR WITHOUT ATRIAL DYSFUNCTION AND/OR DILATED CARDIOMYOPATHY; RYR2-Related Catecholaminergic Polymorphic Ventricular Tachycardia. Identifiers: Orphanet 3286, MedGen C1631597, MONDO:0011484, OMIM 604772.

gnomAD v4.1: 1 of 1,613,874 alleles (0.000062%); highest among the groups gnomAD compares: African/African-American, 0.0013%; no homozygotes.

Submission:

Labcorp Genetics (formerly Invitae), Labcorp
Classification: Uncertain significance for Catecholaminergic polymorphic ventricular tachycardia 1. Last evaluated: 2025-09-10. Review status: criteria provided, single submitter. Criteria: Invitae Variant Classification Sherloc (09022015). Collection method: clinical testing. Allele origin: germline.
Comment: This sequence change replaces lysine, which is basic and polar, with asparagine, which is neutral and polar, at codon 1935 of the RYR2 protein (p.Lys1935Asn). This variant is not present in population databases (gnomAD no frequency). This variant has not been reported in the literature in individuals affected with RYR2-related conditions. ClinVar contains an entry for this variant (Variation ID: 3715957). Invitae Evidence Modeling of protein sequence and biophysical properties (such as structural, functional, and spatial information, amino acid conservation, physicochemical variation, residue mobility, and thermodynamic stability) indicates that this missense variant is not expected to disrupt RYR2 protein function with a negative predictive value of 95%. In summary, the available evidence is currently insufficient to determine the role of this variant in disease. Therefore, it has been classified as a Variant of Uncertain Significance.